The following is an entry in ClinVar:

ClinVar aggregate classification (germline): Uncertain significance. Review status: criteria provided, multiple submitters, no conflicts (2 of 4 stars). 2 submissions from 2 submitters: Uncertain significance (2). Last evaluated 2026-01-12.

Conditions:
Inborn genetic diseases. Identifiers: MedGen C0950123, MeSH D030342.
T-cell immunodeficiency, congenital alopecia, and nail dystrophy. Also called: Congenital alopecia and nail dystrophy associated with severe functional T-cell immunodeficiency; Pignata Guarino syndrome. Identifiers: Orphanet 169095, MedGen C1866426, MONDO:0011132, OMIM 601705.

gnomAD v4.1: 10 of 1,613,838 alleles (0.00062%); highest among the groups gnomAD compares: Admixed American, 0.017%; no homozygotes.

Submissions (2):

Labcorp Genetics (formerly Invitae), Labcorp
Classification: Uncertain significance for T-cell immunodeficiency, congenital alopecia, and nail dystrophy. Last evaluated: 2026-01-12. Review status: criteria provided, single submitter. Criteria: Invitae Variant Classification Sherloc (09022015). Collection method: clinical testing. Allele origin: germline.
Comment: This sequence change replaces alanine, which is neutral and non-polar, with proline, which is neutral and non-polar, at codon 417 of the FOXN1 protein (p.Ala417Pro). This variant is present in population databases (no rsID available, gnomAD 0.02%). This variant has not been reported in the literature in individuals affected with FOXN1-related conditions. ClinVar contains an entry for this variant (Variation ID: 3626437). Invitae Evidence Modeling of protein sequence and biophysical properties (such as structural, functional, and spatial information, amino acid conservation, physicochemical variation, residue mobility, and thermodynamic stability) indicates that this missense variant is not expected to disrupt FOXN1 protein function with a negative predictive value of 80%. In summary, the available evidence is currently insufficient to determine the role of this variant in disease. Therefore, it has been classified as a Variant of Uncertain Significance.

Ambry Genetics
Classification: Uncertain significance for Inborn genetic diseases. Last evaluated: 2025-08-11. Review status: criteria provided, single submitter. Criteria: Ambry Variant Classification Scheme 2023. Collection method: clinical testing. Allele origin: germline.

NM_001369369.1(FOXN1):c.1249G>C (p.Ala417Pro)

Gene: FOXN1 (forkhead box N1; plus strand). Cytogenetic location: 17q11.2.
Variant type: single nucleotide variant.
Coding change: c.1249G>C on transcript NM_001369369.1 (MANE Select); coding-DNA position 1249, G replaced by C.
Protein change: p.Ala417Pro; replaces alanine 417 with proline.
Molecular consequence: missense variant.
Genome position (GRCh38, 1-based): chr17:28,534,820, G>C. VCF-style: chr17-28534820-G-C. GRCh37 (hg19) VCF-style: chr17-26861838-G-C.
Other names: c.1249G>C, p.Ala417Pro (NM_003593.3); short protein forms A417P.
Identifiers: ClinVar variation 3626437 (VCV003626437.3).